The following is an entry in ClinVar:

ClinVar aggregate classification (germline): Uncertain significance (1 of 4 stars; one submission).

Conditions:
Primary ciliary dyskinesia. Also called: Ciliary dyskinesia. Identifiers: Orphanet 244, MedGen C0008780, MONDO:0016575, HP:0012265.

gnomAD v4.1: 10 of 1,612,156 alleles (0.00062%); highest among the groups gnomAD compares: African/African-American, 0.0013%; no homozygotes.

Submission:

Labcorp Genetics (formerly Invitae), Labcorp
Classification: Uncertain significance for Primary ciliary dyskinesia. Last evaluated: 2025-10-31. Review status: criteria provided, single submitter. Criteria: Invitae Variant Classification Sherloc (09022015). Collection method: clinical testing. Allele origin: germline.
Comment: This sequence change replaces asparagine, which is neutral and polar, with threonine, which is neutral and polar, at codon 4070 of the DNAH8 protein (p.Asn4070Thr). This variant is present in population databases (no rsID available, gnomAD 0.007%). This variant has not been reported in the literature in individuals affected with DNAH8-related conditions. Invitae Evidence Modeling of protein sequence and biophysical properties (such as structural, functional, and spatial information, amino acid conservation, physicochemical variation, residue mobility, and thermodynamic stability) indicates that this missense variant is expected to disrupt DNAH8 protein function with a positive predictive value of 80%. In summary, the available evidence is currently insufficient to determine the role of this variant in disease. Therefore, it has been classified as a Variant of Uncertain Significance.

NM_001206927.2(DNAH8):c.12209A>C (p.Asn4070Thr)

Genes: DNAH8 (dynein axonemal heavy chain 8; plus strand), DNAH8-AS1 (DNAH8 antisense RNA 1; minus strand). Cytogenetic location: 6p21.2.
Variant type: single nucleotide variant.
Coding change: c.12209A>C on transcript NM_001206927.2 (MANE Select); coding-DNA position 12209, A replaced by C.
Protein change: p.Asn4070Thr; replaces asparagine 4070 with threonine.
Molecular consequence: missense variant.
Genome position (GRCh38, 1-based): chr6:38,949,531, A>C. VCF-style: chr6-38949531-A-C. GRCh37 (hg19) VCF-style: chr6-38917307-A-C.
Other names: c.11558A>C, p.Asn3853Thr (NM_001371.4); short protein forms N4070T, N3853T.
Identifiers: ClinVar variation 4692333 (VCV004692333.1).
Genomic context (GRCh38, chr6:38,949,531, plus strand): 5'-GGTGGAAAAGCTGGTTTGATAAAGATGCTCCAGAGGAGGAAATTATCCCTGATGGATATA[A>C]TGATTCACTAGATACCTGCCATAAACTTTTACTTATCAGGTGAGAACAGGCATTATCAGA-3'
Protein context (NP_001193856.1, residues 4060-4080): PEEEIIPDGY[Asn4070Thr]DSLDTCHKLL